The following is an entry in ClinVar:

NM_005591.4(MRE11):c.1327-461A>C

Gene: MRE11 (MRE11 double strand break repair nuclease; minus strand). Cytogenetic location: 11q21.
Variant type: single nucleotide variant.
Coding change: c.1327-461A>C on transcript NM_005591.4 (MANE Select); 461 bases into the intron before coding-DNA position 1327, A replaced by C.
Molecular consequence: intron variant.
Genome position (GRCh38, 1-based): chr11:94,460,042, T>G on the plus strand (A>C on the coding strand, the complement: MRE11 is on the minus strand). VCF-style: chr11-94460042-T-G. GRCh37 (hg19) VCF-style: chr11-94193208-T-G.
Other names: c.1327-461A>C (NM_001330347.2, NM_005590.4).
Identifiers: ClinVar variation 60655 (VCV000060655.1), dbSNP rs185485357, ClinGen allele CA144596.

ClinVar aggregate classification (germline): other (0 of 4 stars; one submission).

Conditions:
Malignant tumor of urinary bladder. Also called: Urinary bladder cancer; Urinary Bladder Neoplasms; Bladder cancer. Identifiers: MedGen C0005684, MONDO:0001187, OMIM 109800.

Allele frequency attached by ClinVar (database versions not stated): 1000 Genomes Project 0.00140; 1000 Genomes Project 30x 0.00141; TOPMed 0.00261; gnomAD 0.00356 and 0.00360.
gnomAD v4.1: 544 of 152,002 alleles (0.36%); highest among the groups gnomAD compares: Middle Eastern, 1%; 5 homozygotes.

Submission:

Gray Institute for Radiation Oncology & Biology, University of Oxford
Classification: other. Review status: no assertion criteria provided. Collection method: not provided. Allele origin: germline.
Comment: Detected by next-generation sequencing & confirmed by Sanger sequencing